The following is an entry in ClinVar:

ClinVar aggregate classification (germline): Uncertain significance. Review status: criteria provided, multiple submitters, no conflicts (2 of 4 stars). 2 submissions from 2 submitters: Uncertain significance (2). Last evaluated 2025-03-01.

Conditions:
Hereditary cancer-predisposing syndrome. Also called: Neoplastic Syndromes, Hereditary; Tumor predisposition; Hereditary Cancer Syndrome; Hereditary neoplastic syndrome. Identifiers: Orphanet 140162, MedGen C0027672, MeSH D009386, MONDO:0015356.
Gastrointestinal stromal tumor. Also called: Gastrointestinal stromal tumor, somatic; Gastrointestinal stroma tumor. Identifiers: Orphanet 44890, MedGen C0238198, MeSH D046152, MONDO:0011719, OMIM 606764, HP:0100723.

Submissions (2):

Ambry Genetics
Classification: Uncertain significance for Hereditary cancer-predisposing syndrome. Last evaluated: 2025-03-01. Review status: criteria provided, single submitter. Criteria: Ambry Variant Classification Scheme 2023. Collection method: clinical testing. Allele origin: germline.
Comment: The p.P1029A variant (also known as c.3085C>G), located in coding exon 21 of the PDGFRA gene, results from a C to G substitution at nucleotide position 3085. The proline at codon 1029 is replaced by alanine, an amino acid with highly similar properties. This amino acid position is conserved. In addition, this alteration is predicted to be tolerated by in silico analysis. Based on the available evidence, the clinical significance of this variant remains unclear.

Labcorp Genetics (formerly Invitae), Labcorp
Classification: Uncertain significance for Gastrointestinal stromal tumor. Last evaluated: 2023-08-28. Review status: criteria provided, single submitter. Criteria: Invitae Variant Classification Sherloc (09022015). Collection method: clinical testing. Allele origin: germline.
Comment: This sequence change replaces proline, which is neutral and non-polar, with alanine, which is neutral and non-polar, at codon 1029 of the PDGFRA protein (p.Pro1029Ala). This variant is not present in population databases (gnomAD no frequency). This variant has not been reported in the literature in individuals affected with PDGFRA-related conditions. ClinVar contains an entry for this variant (Variation ID: 657234). Advanced modeling of protein sequence and biophysical properties (such as structural, functional, and spatial information, amino acid conservation, physicochemical variation, residue mobility, and thermodynamic stability) performed at Invitae indicates that this missense variant is not expected to disrupt PDGFRA protein function. In summary, the available evidence is currently insufficient to determine the role of this variant in disease. Therefore, it has been classified as a Variant of Uncertain Significance.

NM_006206.6(PDGFRA):c.3085C>G (p.Pro1029Ala)

Gene: PDGFRA (platelet derived growth factor receptor alpha; plus strand). Cytogenetic location: 4q12.
Variant type: single nucleotide variant.
Coding change: c.3085C>G on transcript NM_006206.6 (MANE Select); coding-DNA position 3085, C replaced by G.
Protein change: p.Pro1029Ala; replaces proline 1029 with alanine.
Molecular consequence: missense variant.
Genome position (GRCh38, 1-based): chr4:54,290,517, C>G. VCF-style: chr4-54290517-C-G. GRCh37 (hg19) VCF-style: chr4-55156684-C-G.
Other names: c.3160C>G, p.Pro1054Ala (NM_001347828.2); c.3085C>G, p.Pro1029Ala (NM_001347829.2); c.3124C>G, p.Pro1042Ala (NM_001347830.2); short protein forms P1029A, P1054A, P1042A.
Identifiers: ClinVar variation 657234 (VCV000657234.10), dbSNP rs1577748646, ClinGen allele CA356896344.